The following is an entry in ClinVar:

ClinVar aggregate classification (germline): Pathogenic (1 of 4 stars; one submission).

Submission:

CeGaT Center for Human Genetics Tuebingen
Classification: Pathogenic. Last evaluated: 2023-08-01. Review status: criteria provided, single submitter. Criteria: CeGaT Center For Human Genetics Tuebingen Variant Classification Criteria Version 2. Collection method: clinical testing. Allele origin: germline. Affected: yes. Observed: 3 variant alleles.
Comment: MYBPC3: PVS1, PM2

NM_000256.3(MYBPC3):c.2639_2642del (p.Asp880fs)

Gene: MYBPC3 (myosin binding protein C3; minus strand). Cytogenetic location: 11p11.2.
Variant type: Deletion.
Coding change: c.2639_2642del on transcript NM_000256.3 (MANE Select); coding-DNA positions 2639 to 2642, 4 bases deleted (ACGT; older notation c.2639_2642delACGT).
Protein change: p.Asp880fs; shifts the reading frame from aspartic acid 880.
Molecular consequence: frameshift variant.
Genome position (GRCh38, 1-based): chr11:47,335,972-47,335,975, ACGT deleted on the plus strand (ACGT on the coding strand, the reverse complement: MYBPC3 is on the minus strand). VCF-style (leftmost placement, unchanged base first): chr11-47335971-GACGT-G. GRCh37 (hg19) VCF-style: chr11-47357522-GACGT-G.
Other names: short protein forms D880fs.
Identifiers: ClinVar variation 2578655 (VCV002578655.25), dbSNP rs2495746527, ClinGen allele CA2580617955.